The following is an entry in ClinVar:

ClinVar aggregate classification (germline): Pathogenic (1 of 4 stars; one submission).

Conditions:
Alstrom syndrome (ALMS). Identifiers: Orphanet 64, MedGen C0268425, MONDO:0008763, OMIM 203800.

Submission:

Labcorp Genetics (formerly Invitae), Labcorp
Classification: Pathogenic for Alstrom syndrome. Last evaluated: 2021-08-13. Review status: criteria provided, single submitter. Criteria: Invitae Variant Classification Sherloc (09022015). Collection method: clinical testing. Allele origin: germline.
Comment: This variant is a gross deletion of the genomic region encompassing exon(s) 10-15 of the ALMS1 gene. This deletion is out-of-frame, and is expected to create a premature termination codon and result in an absent or disrupted protein product. Loss-of-function variants in ALMS1 are known to be pathogenic (PMID: 17594715). This variant has not been reported in the literature in individuals affected with ALMS1-related conditions. For these reasons, this variant has been classified as Pathogenic.

Literature cited by the submitters: PubMed 17594715.

NC_000002.11:g.(?_73716751)_(73786279_?)del

Gene: ALMS1 (ALMS1 centrosome and basal body associated protein; plus strand). Cytogenetic location: 2p13.1.
Variant type: Deletion.
Identifiers: ClinVar variation 1456467 (VCV001456467.3).